The following is an entry in ClinVar:

NM_000179.3(MSH6):c.2203C>A (p.Leu735Ile)

Gene: MSH6 (mutS homolog 6; plus strand). Cytogenetic location: 2p16.3.
Variant type: single nucleotide variant.
Coding change: c.2203C>A on transcript NM_000179.3 (MANE Select); coding-DNA position 2203, C replaced by A.
Protein change: p.Leu735Ile; replaces leucine 735 with isoleucine.
Molecular consequence: missense variant.
Genome position (GRCh38, 1-based): chr2:47,800,186, C>A. VCF-style: chr2-47800186-C-A. GRCh37 (hg19) VCF-style: chr2-48027325-C-A.
Other names: c.1813C>A, p.Leu605Ile (NM_001281492.2); c.1297C>A, p.Leu433Ile (NM_001281493.2, NM_001281494.2); short protein forms L735I, L433I, L605I.
Identifiers: ClinVar variation 188107 (VCV000188107.27), dbSNP rs786204071, ClinGen allele CA009870.
Genomic context (GRCh38, chr2:47,800,186, plus strand): 5'-GACACAGTCAGCACTACAAGATCTGGTGCTATCTTCACCAAAGCCTATCAACGAATGGTG[C>A]TAGATGCAGTGACATTAAACAACTTGGAGATTTTTCTGAATGGAACAAATGGTTCTACTG-3'
Protein context (NP_000170.1, residues 725-745): IFTKAYQRMV[Leu735Ile]DAVTLNNLEI

ClinVar aggregate classification (germline): Conflicting classifications of pathogenicity. Review status: criteria provided, conflicting classifications (1 of 4 stars). 9 submissions from 9 submitters: Uncertain significance (7); Likely benign (1). 1 of the submissions does not count toward it. Last evaluated 2026-01-12.

Conditions:
Hereditary nonpolyposis colorectal neoplasms. Identifiers: MedGen C0009405, MeSH D003123.
Lynch syndrome. Identifiers: Orphanet 144, MedGen C4552100, MONDO:0005835. Disease mechanism: loss of function.
Hereditary cancer-predisposing syndrome. Also called: Neoplastic Syndromes, Hereditary; Tumor predisposition; Hereditary Cancer Syndrome; Hereditary neoplastic syndrome. Identifiers: Orphanet 140162, MedGen C0027672, MeSH D009386, MONDO:0015356.
Lynch syndrome 5 (LYNCH5). Also called: Colorectal cancer, hereditary nonpolyposis, type 5; Hereditary non-polyposis colorectal cancer, type 5. Identifiers: Orphanet 144, MedGen C1833477, MONDO:0013710, OMIM 614350. Disease mechanism: loss of function.
Endometrial carcinoma. Also called: Endometrial carcinoma, somatic. Identifiers: MedGen C0476089, MONDO:0002447, OMIM 608089, HP:0012114.

Allele frequency attached by ClinVar (database versions not stated): TOPMed below 0.00001.

Submissions (9):

Women's Health and Genetics/Laboratory Corporation of America, LabCorp
Classification: Uncertain significance. Last evaluated: 2026-01-12. Review status: criteria provided, single submitter. Criteria: LabCorp Variant Classification Summary - May 2015. Collection method: clinical testing. Allele origin: germline.
Comment: Variant summary: MSH6 c.2203C>A (p.Leu735Ile) results in a conservative amino acid change in the encoded protein sequence. Algorithms developed to predict the effect of missense changes on protein structure and function are either unavailable or do not agree on the potential impact of this missense change. The variant was absent in 250898 control chromosomes. The available data on variant occurrences in the general population are insufficient to allow any conclusion about variant significance. c.2203C>A has been observed in individuals affected with Adrenocortical Carcinoma or family history of Endometrial Cancinoma without strong evidence for causality (Zhang_2015, Sing_2020). These report(s) do not provide unequivocal conclusions about association of the variant with Lynch Syndrome. To our knowledge, no experimental evidence demonstrating an impact on protein function has been reported. The following publications have been ascertained in the context of this evaluation (PMID: 32634176, 26580448). ClinVar contains an entry for this variant (Variation ID: 188107). Based on the evidence outlined above, the variant was classified as uncertain significance.

Labcorp Genetics (formerly Invitae), Labcorp
Classification: Uncertain significance for Hereditary nonpolyposis colorectal neoplasms. Last evaluated: 2025-10-14. Review status: criteria provided, single submitter. Criteria: Invitae Variant Classification Sherloc (09022015). Collection method: clinical testing. Allele origin: germline.
Comment: This sequence change replaces leucine, which is neutral and non-polar, with isoleucine, which is neutral and non-polar, at codon 735 of the MSH6 protein (p.Leu735Ile). This variant is not present in population databases (gnomAD no frequency). This missense change has been observed in individual(s) with adrenocortical carcinoma and/or endometrial cancer (PMID: 26580448, 32634176). ClinVar contains an entry for this variant (Variation ID: 188107). Invitae Evidence Modeling of protein sequence and biophysical properties (such as structural, functional, and spatial information, amino acid conservation, physicochemical variation, residue mobility, and thermodynamic stability) has been performed for this missense variant. However, the output from this modeling did not meet the statistical confidence thresholds required to predict the impact of this variant on MSH6 protein function. In summary, the available evidence is currently insufficient to determine the role of this variant in disease. Therefore, it has been classified as a Variant of Uncertain Significance.

Baylor Genetics
Classification: Uncertain significance for Endometrial carcinoma. Last evaluated: 2024-02-23. Review status: criteria provided, single submitter. Criteria: ACMG Guidelines, 2015. Collection method: clinical testing. Allele origin: unknown.

All of Us Research Program, National Institutes of Health
Classification: Uncertain significance for Lynch syndrome. Last evaluated: 2023-12-18. Review status: criteria provided, single submitter. Criteria: ACMG Guidelines, 2015. Collection method: clinical testing. Allele origin: germline. Inheritance: Autosomal dominant inheritance. Observed: 1 variant allele, 1 heterozygote.
Comment: This missense variant replaces leucine with isoleucine at codon 735 of the MSH6 protein. Computational prediction is inconclusive regarding the impact of this variant on protein structure and function (internally defined REVEL score threshold 0.5 < inconclusive < 0.7, PMID: 27666373). To our knowledge, functional studies have not been reported for this variant. This variant has been reported in an individual affected with endometrial cancer (PMID: 32634176). This variant has not been identified in the general population by the Genome Aggregation Database (gnomAD). The available evidence is insufficient to determine the role of this variant in disease conclusively. Therefore, this variant is classified as a Variant of Uncertain Significance.

This study involves interpretation of variants in research participants for the purpose of population health screening. Participant phenotype was not available at the time of variant classification. Additional details can be found in publication PMID: 35346344, PMCID: PMC8962531

Color Diagnostics, LLC DBA Color Health
Classification: Uncertain significance for Hereditary cancer-predisposing syndrome. Last evaluated: 2023-08-30. Review status: criteria provided, single submitter. Criteria: ACMG Guidelines, 2015. Collection method: clinical testing. Allele origin: germline.
Comment: This missense variant replaces leucine with isoleucine at codon 735 of the MSH6 protein. Computational prediction is inconclusive regarding the impact of this variant on protein structure and function (internally defined REVEL score threshold 0.5 < inconclusive < 0.7, PMID: 27666373). To our knowledge, functional studies have not been reported for this variant. This variant has been reported in an individual affected with endometrial cancer (PMID: 32634176). This variant has not been identified in the general population by the Genome Aggregation Database (gnomAD). The available evidence is insufficient to determine the role of this variant in disease conclusively. Therefore, this variant is classified as a Variant of Uncertain Significance.

Quest Diagnostics Nichols Institute San Juan Capistrano
Classification: Uncertain significance. Last evaluated: 2023-08-25. Review status: criteria provided, single submitter. Criteria: Quest Diagnostics criteria. Collection method: clinical testing. Allele origin: unknown.
Comment: In the published literature, this variant has been reported in individuals with endometrial cancer (PMID: 32634176 (2020)) and adrenocortical carcinoma (PMID: 26580448 (2015)). This variant has not been reported in large, multi-ethnic general populations (Genome Aggregation Database). Analysis of this variant using bioinformatics tools for the prediction of the effect of amino acid changes on protein structure and function yielded conflicting predictions that this variant is benign or damaging. Based on the available information, we are unable to determine the clinical significance of this variant.

Myriad Genetics, Inc.
Classification: Uncertain significance for Lynch syndrome 5. Last evaluated: 2023-03-28. Review status: criteria provided, single submitter. Criteria: Myriad Autosomal Dominant, Autosomal Recessive and X-Linked Classification Criteria (2023). Collection method: clinical testing. Allele origin: unknown.
Comment: This variant is classified as a variant of uncertain significance as there is insufficient evidence to determine its impact on protein function and/or cancer risk.

Ambry Genetics
Classification: Likely benign for Hereditary cancer-predisposing syndrome. Last evaluated: 2021-09-16. Review status: criteria provided, single submitter. Criteria: Ambry Variant Classification Scheme 2023. Collection method: clinical testing. Allele origin: germline.

Counsyl
Classification: Uncertain significance for Lynch syndrome 5. Last evaluated: 2015-11-21. Review status: no assertion criteria provided. Collection method: clinical testing. Allele origin: unknown. Not counted in ClinVar's aggregate classification.

Literature cited by the submitters: PubMed 26580448 (cited by 3 submitters); PubMed 32634176 (cited by 6 submitters); PubMed 31613886 (cited by Quest Diagnostics Nichols Institute San Juan Capistrano).